The following is an entry in ClinVar:

ClinVar aggregate classification (germline): Uncertain significance (1 of 4 stars; one submission).

Allele frequency attached by ClinVar (database versions not stated): gnomAD 0.00001; gnomAD exomes 0.00001 and 0.00002; TOPMed 0.00001; ExAC 0.00004.
gnomAD v4.1: 18 of 1,614,054 alleles (0.0011%); highest among the groups gnomAD compares: South Asian, 0.0033%; no homozygotes.

Submission:

Labcorp Genetics (formerly Invitae), Labcorp
Classification: Uncertain significance. Last evaluated: 2022-11-15. Review status: criteria provided, single submitter. Criteria: Invitae Variant Classification Sherloc (09022015). Collection method: clinical testing. Allele origin: germline.
Comment: In summary, the available evidence is currently insufficient to determine the role of this variant in disease. Therefore, it has been classified as a Variant of Uncertain Significance. Advanced modeling of protein sequence and biophysical properties (such as structural, functional, and spatial information, amino acid conservation, physicochemical variation, residue mobility, and thermodynamic stability) performed at Invitae indicates that this missense variant is not expected to disrupt SYT2 protein function. ClinVar contains an entry for this variant (Variation ID: 1512404). This variant has not been reported in the literature in individuals affected with SYT2-related conditions. This variant is present in population databases (rs756234494, gnomAD 0.004%). This sequence change replaces valine, which is neutral and non-polar, with methionine, which is neutral and non-polar, at codon 302 of the SYT2 protein (p.Val302Met).

NM_177402.5(SYT2):c.904G>A (p.Val302Met)

Gene: SYT2 (synaptotagmin 2; minus strand). Cytogenetic location: 1q32.1.
Variant type: single nucleotide variant.
Coding change: c.904G>A on transcript NM_177402.5 (MANE Select); coding-DNA position 904, G replaced by A.
Protein change: p.Val302Met; replaces valine 302 with methionine.
Molecular consequence: missense variant.
Genome position (GRCh38, 1-based): chr1:202,600,372, C>T on the plus strand (G>A on the coding strand, the complement: SYT2 is on the minus strand). VCF-style: chr1-202600372-C-T. GRCh37 (hg19) VCF-style: chr1-202569500-C-T.
Other names: c.904G>A, p.Val302Met (NM_001136504.1); short protein forms V302M.
Identifiers: ClinVar variation 1512404 (VCV001512404.6), dbSNP rs756234494, ClinGen allele CA1333670.